The following is an entry in ClinVar:

NM_014704.4(CEP104):c.595G>A (p.Asp199Asn)

Gene: CEP104 (centrosomal protein 104; minus strand). Cytogenetic location: 1p36.32.
Variant type: single nucleotide variant.
Coding change: c.595G>A on transcript NM_014704.4 (MANE Select); coding-DNA position 595, G replaced by A.
Protein change: p.Asp199Asn; replaces aspartic acid 199 with asparagine.
Molecular consequence: missense variant.
Genome position (GRCh38, 1-based): chr1:3,839,748, C>T on the plus strand (G>A on the coding strand, the complement: CEP104 is on the minus strand). VCF-style: chr1-3839748-C-T. GRCh37 (hg19) VCF-style: chr1-3756312-C-T.
Other names: short protein forms D199N.
Identifiers: ClinVar variation 1464199 (VCV001464199.8), dbSNP rs1557681983, ClinGen allele CA338043799.

ClinVar aggregate classification (germline): Uncertain significance (1 of 4 stars; one submission).

Conditions:
Joubert syndrome 25 (JBTS25). Identifiers: Orphanet 475, MedGen C4084842, MONDO:0014770, OMIM 616781.

Allele frequency attached by ClinVar (database versions not stated): gnomAD exomes below 0.00001; TOPMed below 0.00001.
gnomAD v4.1: 7 of 1,612,228 alleles (0.00043%); highest among the groups gnomAD compares: Middle Eastern, 0.017%; no homozygotes.

Submission:

Labcorp Genetics (formerly Invitae), Labcorp
Classification: Uncertain significance for Joubert syndrome 25. Last evaluated: 2021-04-06. Review status: criteria provided, single submitter. Criteria: Invitae Variant Classification Sherloc (09022015). Collection method: clinical testing. Allele origin: germline.
Comment: This sequence change replaces aspartic acid with asparagine at codon 199 of the CEP104 protein (p.Asp199Asn). The aspartic acid residue is highly conserved and there is a small physicochemical difference between aspartic acid and asparagine. This variant is not present in population databases (ExAC no frequency). Algorithms developed to predict the effect of missense changes on protein structure and function are either unavailable or do not agree on the potential impact of this missense change (SIFT: "Deleterious"; PolyPhen-2: "Probably Damaging"; Align-GVGD: "Class C0"). In summary, the available evidence is currently insufficient to determine the role of this variant in disease. Therefore, it has been classified as a Variant of Uncertain Significance. This variant has not been reported in the literature in individuals with CEP104-related conditions.